The following is an entry in ClinVar:

NM_001349253.2(SCN11A):c.959G>T (p.Ser320Ile)

Gene: SCN11A (sodium voltage-gated channel alpha subunit 11; minus strand). Cytogenetic location: 3p22.2.
Variant type: single nucleotide variant.
Coding change: c.959G>T on transcript NM_001349253.2 (MANE Select); coding-DNA position 959, G replaced by T.
Protein change: p.Ser320Ile; replaces serine 320 with isoleucine.
Molecular consequence: missense variant.
Genome position (GRCh38, 1-based): chr3:38,919,935, C>A on the plus strand (G>T on the coding strand, the complement: SCN11A is on the minus strand). VCF-style: chr3-38919935-C-A. GRCh37 (hg19) VCF-style: chr3-38961426-C-A.
Other names: c.959G>T, p.Ser320Ile (NM_014139.3); short protein forms S320I.
Identifiers: ClinVar variation 3758527 (VCV003758527.2).

ClinVar aggregate classification (germline): Uncertain significance (1 of 4 stars; one submission).

Conditions:
Hereditary sensory and autonomic neuropathy type 7. Also called: HSAN VII; Neuropathy, hereditary sensory and autonomic, type VII. Identifiers: Orphanet 391397, MedGen C3809882, MONDO:0014244, OMIM 615548.
Familial episodic pain syndrome with predominantly lower limb involvement. Also called: Episodic pain syndrome, familial, 3. Identifiers: Orphanet 391384, Orphanet 391392, MedGen C3809899, MONDO:0014247, OMIM 615552.

Submission:

Labcorp Genetics (formerly Invitae), Labcorp
Classification: Uncertain significance for Familial episodic pain syndrome with predominantly lower limb involvement; Hereditary sensory and autonomic neuropathy type 7. Last evaluated: 2024-07-01. Review status: criteria provided, single submitter. Criteria: Invitae Variant Classification Sherloc (09022015). Collection method: clinical testing. Allele origin: germline.
Comment: This sequence change replaces serine, which is neutral and polar, with isoleucine, which is neutral and non-polar, at codon 320 of the SCN11A protein (p.Ser320Ile). This variant also falls at the last nucleotide of exon 7, which is part of the consensus splice site for this exon. This variant is not present in population databases (gnomAD no frequency). This variant has not been reported in the literature in individuals affected with SCN11A-related conditions. An algorithm developed to predict the effect of missense changes on protein structure and function (PolyPhen-2) suggests that this variant is likely to be disruptive. Variants that disrupt the consensus splice site are a relatively common cause of aberrant splicing (PMID: 17576681, 9536098). Algorithms developed to predict the effect of sequence changes on RNA splicing suggest that this variant may disrupt the consensus splice site. In summary, the available evidence is currently insufficient to determine the role of this variant in disease. Therefore, it has been classified as a Variant of Uncertain Significance.

Literature cited by the submitters: PubMed 17576681; PubMed 9536098.